The following is an entry in ClinVar:

ClinVar aggregate classification (germline): Likely benign. Review status: criteria provided, multiple submitters, no conflicts (2 of 4 stars). 3 submissions from 3 submitters: Likely benign (3). Last evaluated 2025-08-15.

Conditions:
Catecholaminergic polymorphic ventricular tachycardia 1. Also called: VENTRICULAR TACHYCARDIA, CATECHOLAMINERGIC POLYMORPHIC, 1, WITH OR WITHOUT ATRIAL DYSFUNCTION AND/OR DILATED CARDIOMYOPATHY; RYR2-Related Catecholaminergic Polymorphic Ventricular Tachycardia; VENTRICULAR TACHYCARDIA, STRESS-INDUCED POLYMORPHIC 1. Identifiers: Orphanet 3286, MedGen C1631597, MONDO:0011484, OMIM 604772.
Cardiomyopathy (CMYO). Also called: Cardiomyopathies. Identifiers: Orphanet 167848, MedGen C0878544, MONDO:0004994, HP:0001638. Inheritance: Various modes of inheritance.

Allele frequency attached by ClinVar (database versions not stated): TOPMed below 0.00001; gnomAD 0.00001.
gnomAD v4.1: 2 of 1,611,304 alleles (0.00012%); highest among the groups gnomAD compares: Admixed American, 0.0017%; no homozygotes.

Submissions (3):

Mayo Clinic Laboratories, Mayo Clinic
Classification: Likely benign. Last evaluated: 2025-08-15. Review status: criteria provided, single submitter. Criteria: ACMG Guidelines, 2015. Collection method: clinical testing. Allele origin: germline. Observed: 1 variant allele.
Comment: BP4, BP7

Labcorp Genetics (formerly Invitae), Labcorp
Classification: Likely benign for Catecholaminergic polymorphic ventricular tachycardia 1. Last evaluated: 2025-06-04. Review status: criteria provided, single submitter. Criteria: Invitae Variant Classification Sherloc (09022015). Collection method: clinical testing. Allele origin: germline.

Color Diagnostics, LLC DBA Color Health
Classification: Likely benign for Cardiomyopathy. Last evaluated: 2023-01-05. Review status: criteria provided, single submitter. Criteria: ACMG Guidelines, 2015. Collection method: clinical testing. Allele origin: germline.

NM_001035.3(RYR2):c.3215-9A>G

Gene: RYR2 (ryanodine receptor 2; plus strand). Cytogenetic location: 1q43.
Variant type: single nucleotide variant.
Coding change: c.3215-9A>G on transcript NM_001035.3 (MANE Select); 9 bases into the intron before coding-DNA position 3215, A replaced by G.
Molecular consequence: intron variant.
Genome position (GRCh38, 1-based): chr1:237,566,558, A>G. VCF-style: chr1-237566558-A-G. GRCh37 (hg19) VCF-style: chr1-237729858-A-G.
Other names: p.?.
Identifiers: ClinVar variation 2048749 (VCV002048749.6), dbSNP rs1224572050, ClinGen allele CA529912700.